The following is an entry in ClinVar:

NM_000036.3(AMPD1):c.864C>T (p.Asn288=)

Gene: AMPD1 (adenosine monophosphate deaminase 1; minus strand). Cytogenetic location: 1p13.2.
Variant type: single nucleotide variant.
Coding change: c.864C>T on transcript NM_000036.3 (MANE Select); coding-DNA position 864, C replaced by T.
Protein change: p.Asn288=; no amino-acid change (asparagine 288 retained).
Molecular consequence: synonymous variant.
Genome position (GRCh38, 1-based): chr1:114,679,612, G>A on the plus strand (C>T on the coding strand, the complement: AMPD1 is on the minus strand). VCF-style: chr1-114679612-G-A. GRCh37 (hg19) VCF-style: chr1-115222233-G-A.
Other names: c.852C>T, p.Asn284= (NM_001172626.2); c.963C>T (NM_000036.2).
Identifiers: ClinVar variation 1540939 (VCV001540939.10), dbSNP rs982156348, ClinGen allele CA29056760.

ClinVar aggregate classification (germline): Likely benign. Review status: criteria provided, single submitter (1 of 4 stars). 2 submissions from 2 submitters: Likely benign (1). 1 of the submissions does not count toward it. Last evaluated 2024-03-16.

Conditions:
AMPD1-related disorder. Also called: AMPD1-related condition.
Muscle AMP deaminase deficiency (MMDD). Also called: AMPD1 DEFICIENCY; Myoadenylate deaminase deficiency, myopathy due to; Adenosine monophosphate deaminase 1 deficiency; AMP deaminase 1 deficiency; Adenosine Monophosphate Deaminase 1; ADENOSINE MONOPHOSPHATE DEAMINASE-1 DEFICIENCY, MYOPATHY DUE TO. Identifiers: Orphanet 45, MedGen C3714933, MONDO:0014220, OMIM 615511.

Allele frequency attached by ClinVar (database versions not stated): gnomAD exomes below 0.00001; TOPMed 0.00002.
gnomAD v4.1: 7 of 1,613,906 alleles (0.00043%); highest among the groups gnomAD compares: Middle Eastern, 0.016%; no homozygotes.

Submissions (2):

Labcorp Genetics (formerly Invitae), Labcorp
Classification: Likely benign for Muscle AMP deaminase deficiency. Last evaluated: 2024-03-16. Review status: criteria provided, single submitter. Criteria: Invitae Variant Classification Sherloc (09022015). Collection method: clinical testing. Allele origin: germline.

PreventionGenetics, part of Exact Sciences
Classification: Likely benign for AMPD1-related condition. Last evaluated: 2022-12-12. Review status: no assertion criteria provided. Collection method: clinical testing. Allele origin: germline. Not counted in ClinVar's aggregate classification.
Comment: This variant is classified as likely benign based on ACMG/AMP sequence variant interpretation guidelines (Richards et al. 2015 PMID: 25741868, with internal and published modifications).